The following is an entry in ClinVar:

NM_000388.4(CASR):c.2684C>G (p.Ser895Cys)

Gene: CASR (calcium sensing receptor; plus strand). Cytogenetic location: 3q21.1.
Variant type: single nucleotide variant.
Coding change: c.2684C>G on transcript NM_000388.4 (MANE Select); coding-DNA position 2684, C replaced by G.
Protein change: p.Ser895Cys; replaces serine 895 with cysteine.
Molecular consequence: missense variant.
Genome position (GRCh38, 1-based): chr3:122,284,638, C>G. VCF-style: chr3-122284638-C-G. GRCh37 (hg19) VCF-style: chr3-122003485-C-G.
Other names: c.2714C>G, p.Ser905Cys (NM_001178065.2); short protein forms S895C, S905C.
Identifiers: ClinVar variation 463936 (VCV000463936.13), dbSNP rs1553769171, ClinGen allele CA354160555.

ClinVar aggregate classification (germline): Uncertain significance. Review status: criteria provided, multiple submitters, no conflicts (2 of 4 stars). 2 submissions from 2 submitters: Uncertain significance (2). Last evaluated 2022-08-16.

Conditions:
Familial hypocalciuric hypercalcemia (FHH). Also called: Familial benign hypercalcemia. Identifiers: Orphanet 405, MedGen C1809471, MONDO:0018458.
Autosomal dominant hypocalcemia 1 (HYPOC1). Also called: HYPOCALCEMIA, FAMILIAL. Identifiers: MedGen C3715128, MONDO:0011013, OMIM 601198.
Nephrolithiasis/nephrocalcinosis. Identifiers: MedGen CN580796.

Allele frequency attached by ClinVar (database versions not stated): gnomAD exomes 0.00001.
gnomAD v4.1: 6 of 1,614,022 alleles (0.00037%); highest among the groups gnomAD compares: Non-Finnish European, 0.00051%; no homozygotes.

Submissions (2):

Ambry Genetics
Classification: Uncertain significance for Nephrolithiasis/nephrocalcinosis. Last evaluated: 2022-08-16. Review status: criteria provided, single submitter. Criteria: Ambry Variant Classification Scheme 2023. Collection method: clinical testing. Allele origin: germline.
Comment: The p.S895C variant (also known as c.2684C>G), located in coding exon 6 of the CASR gene, results from a C to G substitution at nucleotide position 2684. The serine at codon 895 is replaced by cysteine, an amino acid with dissimilar properties. This amino acid position is conserved. In addition, the in silico prediction for this alteration is inconclusive. Since supporting evidence is limited at this time, the clinical significance of this alteration remains unclear.

Labcorp Genetics (formerly Invitae), Labcorp
Classification: Uncertain significance for Familial hypocalciuric hypercalcemia; Autosomal dominant hypocalcemia 1. Last evaluated: 2022-02-08. Review status: criteria provided, single submitter. Criteria: Invitae Variant Classification Sherloc (09022015). Collection method: clinical testing. Allele origin: germline.
Comment: This sequence change replaces serine, which is neutral and polar, with cysteine, which is neutral and slightly polar, at codon 895 of the CASR protein (p.Ser895Cys). This variant is not present in population databases (gnomAD no frequency). This variant has not been reported in the literature in individuals affected with CASR-related conditions. ClinVar contains an entry for this variant (Variation ID: 463936). Algorithms developed to predict the effect of missense changes on protein structure and function are either unavailable or do not agree on the potential impact of this missense change (SIFT: "Deleterious"; PolyPhen-2: "Probably Damaging"; Align-GVGD: "Class C15"). In summary, the available evidence is currently insufficient to determine the role of this variant in disease. Therefore, it has been classified as a Variant of Uncertain Significance.